The following is an entry in ClinVar:

ClinVar aggregate classification (germline): Uncertain significance (1 of 4 stars; one submission).

Submission:

Women's Health and Genetics/Laboratory Corporation of America, LabCorp
Classification: Uncertain significance. Last evaluated: 2022-07-23. Review status: criteria provided, single submitter. Criteria: LabCorp Variant Classification Summary - May 2015. Collection method: clinical testing. Allele origin: germline.
Comment: Variant summary: ABCC8 c.4606G>C (p.Ala1536Pro) results in a non-conservative amino acid change located in the ABC transporter-like, ATP-binding domain (IPR003439) of the encoded protein sequence. Five of five in-silico tools predict a damaging effect of the variant on protein function. The variant was absent in 251352 control chromosomes. The available data on variant occurrences in the general population are insufficient to allow any conclusion about variant significance. c.4606G>C has been reported in the literature as p.Ala1537Pro in at-least one individual affected with features of Permanent Neonatal Diabetes Mellitus and milder developmental delay and without epilepsy in the first 12 months of life (intermediate DEND syndrome) (example, Taberner_2016, cited in Garcin_2020, Piptapolkai_2020, Li_2021). These data do not allow any conclusion about variant significance. To our knowledge, no experimental evidence demonstrating an impact on protein function has been reported. No clinical diagnostic laboratories have submitted clinical-significance assessments for this variant to ClinVar after 2014. Based on the evidence outlined above, the variant was classified as uncertain significance.

Literature cited by the submitters: PubMed 32376986; PubMed 34631896; PubMed 32418263; PubMed 27329029.

NM_000352.6(ABCC8):c.4606G>C (p.Ala1536Pro)

Gene: ABCC8 (ATP binding cassette subfamily C member 8; minus strand). Cytogenetic location: 11p15.1.
Variant type: single nucleotide variant.
Coding change: c.4606G>C on transcript NM_000352.6 (MANE Select); coding-DNA position 4606, G replaced by C.
Protein change: p.Ala1536Pro; replaces alanine 1536 with proline.
Molecular consequence: missense variant. On other transcripts: non-coding transcript variant (1).
Genome position (GRCh38, 1-based): chr11:17,393,699, C>G on the plus strand (G>C on the coding strand, the complement: ABCC8 is on the minus strand). VCF-style: chr11-17393699-C-G. GRCh37 (hg19) VCF-style: chr11-17415246-C-G.
Other names: c.4609G>C, p.Ala1537Pro (NM_001287174.3); c.4672G>C, p.Ala1558Pro (NM_001351295.2); c.4606G>C, p.Ala1536Pro (NM_001351296.2); c.4603G>C, p.Ala1535Pro (NM_001351297.2); short protein forms A1537P, A1536P, A1535P, A1558P.
Identifiers: ClinVar variation 1704495 (VCV001704495.1), dbSNP rs772332005, ClinGen allele CA379781725.